The following is an entry in ClinVar:

ClinVar aggregate classification (germline): Uncertain significance (1 of 4 stars; one submission).

Submission:

GeneDx
Classification: Uncertain significance. Last evaluated: 2023-04-12. Review status: criteria provided, single submitter. Criteria: GeneDx Variant Classification Process June 2021. Collection method: clinical testing. Allele origin: germline. Affected: yes.
Comment: Not observed at significant frequency in large population cohorts (gnomAD); In silico analysis supports that this missense variant has a deleterious effect on splicing; In silico analysis supports that this missense variant does not alter protein structure/function; Has not been previously published as pathogenic or benign to our knowledge

NM_015981.4(CAMK2A):c.1066G>T (p.Val356Leu)

Gene: CAMK2A (calcium/calmodulin dependent protein kinase II alpha; minus strand). Cytogenetic location: 5q32.
Variant type: single nucleotide variant.
Coding change: c.1066G>T on transcript NM_015981.4 (MANE Select); coding-DNA position 1066, G replaced by T.
Protein change: p.Val356Leu; replaces valine 356 with leucine.
Molecular consequence: missense variant.
Genome position (GRCh38, 1-based): chr5:150,238,700, C>A on the plus strand (G>T on the coding strand, the complement: CAMK2A is on the minus strand). VCF-style: chr5-150238700-C-A. GRCh37 (hg19) VCF-style: chr5-149618263-C-A.
Other names: c.1066G>T, p.Val356Leu (NM_001363989.1); c.1033G>T, p.Val345Leu (NM_001363990.1, NM_001369025.2, NM_171825.3); short protein forms V345L, V356L.
Identifiers: ClinVar variation 3343056 (VCV003343056.1).
Genomic context (GRCh38, chr5:150,238,700, plus strand): 5'-GTCTGCTCAGAGCTGGTTCCAGAAGTCTAAGGGGTCCCGACACTGAAGGCCCCTCCCTAC[C>A]TTTGGTGTCTTCATCCTCGATGGTGGTGTTGGTGCTCTCTGAGGATTCCTGCCAAAGAGA-3'
Protein context (NP_057065.2, residues 346-366): NTTIEDEDTK[Val356Leu]RKQEIIKVTE